The following is an entry in ClinVar:

ClinVar aggregate classification (germline): Likely benign. Review status: criteria provided, single submitter (1 of 4 stars). 2 submissions from 2 submitters: Likely benign (1). 1 of the submissions does not count toward it. Last evaluated 2025-11-10.

Conditions:
MNX1-related disorder. Also called: MNX1-related condition.

Allele frequency attached by ClinVar (database versions not stated): gnomAD 0.00019; TOPMed 0.00020.
gnomAD v4.1: 37 of 1,215,652 alleles (0.003%); highest among the groups gnomAD compares: African/African-American, 0.051%; no homozygotes.

Submissions (2):

Labcorp Genetics (formerly Invitae), Labcorp
Classification: Likely benign. Last evaluated: 2025-11-10. Review status: criteria provided, single submitter. Criteria: Invitae Variant Classification Sherloc (09022015). Collection method: clinical testing. Allele origin: germline.

PreventionGenetics, part of Exact Sciences
Classification: Likely benign for MNX1-related condition. Last evaluated: 2023-04-26. Review status: no assertion criteria provided. Collection method: clinical testing. Allele origin: germline. Not counted in ClinVar's aggregate classification.
Comment: This variant is classified as likely benign based on ACMG/AMP sequence variant interpretation guidelines (Richards et al. 2015 PMID: 25741868, with internal and published modifications).

NM_005515.4(MNX1):c.156C>T (p.Gly52=)

Gene: MNX1 (motor neuron and pancreas homeobox 1; minus strand). Cytogenetic location: 7q36.3.
Variant type: single nucleotide variant.
Coding change: c.156C>T on transcript NM_005515.4 (MANE Select); coding-DNA position 156, C replaced by T.
Protein change: p.Gly52=; no amino-acid change (glycine 52 retained).
Molecular consequence: synonymous variant.
Genome position (GRCh38, 1-based): chr7:157,010,195, G>A on the plus strand (C>T on the coding strand, the complement: MNX1 is on the minus strand). VCF-style: chr7-157010195-G-A. GRCh37 (hg19) VCF-style: chr7-156802889-G-A.
Other names: c.156C>T (NM_005515.3).
Identifiers: ClinVar variation 2717502 (VCV002717502.5), dbSNP rs988438732, ClinGen allele CA169871071.